The following is an entry in ClinVar:

ClinVar aggregate classification (germline): Uncertain significance. Review status: criteria provided, multiple submitters, no conflicts (2 of 4 stars). 3 submissions from 3 submitters: Uncertain significance (3). Last evaluated 2024-03-06.

Conditions:
Hereditary cancer-predisposing syndrome. Also called: Hereditary neoplastic syndrome; Neoplastic Syndromes, Hereditary; Hereditary Cancer Syndrome; Tumor predisposition. Identifiers: Orphanet 140162, MedGen C0027672, MeSH D009386, MONDO:0015356.
Familial cancer of breast. Also called: BREAST CANCER, FAMILIAL; Hereditary breast cancer; hereditary breast carcinoma. Identifiers: Orphanet 227535, MedGen C0346153, MONDO:0016419, OMIM 114480. Disease mechanism: loss of function.

Submissions (3):

Color Diagnostics, LLC DBA Color Health
Classification: Uncertain significance for Hereditary cancer-predisposing syndrome. Last evaluated: 2024-03-06. Review status: criteria provided, single submitter. Criteria: ACMG Guidelines, 2015. Collection method: clinical testing. Allele origin: germline.
Comment: This missense variant replaces leucine with valine at codon 332 of the CHEK2 protein. Computational prediction suggests that this variant may not impact protein structure and function (internally defined REVEL score threshold <= 0.5, PMID: 27666373). To our knowledge, functional studies have not been reported for this variant. This variant has not been reported in individuals affected with hereditary cancer in the literature. This variant has not been identified in the general population by the Genome Aggregation Database (gnomAD). The available evidence is insufficient to determine the role of this variant in disease conclusively. Therefore, this variant is classified as a Variant of Uncertain Significance.

Ambry Genetics
Classification: Uncertain significance for Hereditary cancer-predisposing syndrome. Last evaluated: 2024-02-25. Review status: criteria provided, single submitter. Criteria: Ambry Variant Classification Scheme 2023. Collection method: clinical testing. Allele origin: germline.
Comment: The p.L332V variant (also known as c.994C>G), located in coding exon 8 of the CHEK2 gene, results from a C to G substitution at nucleotide position 994. The leucine at codon 332 is replaced by valine, an amino acid with highly similar properties. This amino acid position is conserved. In addition, the in silico prediction for this alteration is inconclusive. Since supporting evidence is limited at this time, the clinical significance of this alteration remains unclear.

Labcorp Genetics (formerly Invitae), Labcorp
Classification: Uncertain significance for Familial cancer of breast. Last evaluated: 2017-12-11. Review status: criteria provided, single submitter. Criteria: Invitae Variant Classification Sherloc (09022015). Collection method: clinical testing. Allele origin: germline.
Comment: In summary, the available evidence is currently insufficient to determine the role of this variant in disease. Therefore, it has been classified as a Variant of Uncertain Significance. Algorithms developed to predict the effect of missense changes on protein structure and function do not agree on the potential impact of this missense change (SIFT: "Deleterious"; PolyPhen-2: "Benign"; Align-GVGD: "Class C0"). This variant has not been reported in the literature in individuals with CHEK2-related disease. This variant is not present in population databases (ExAC no frequency). This sequence change replaces leucine with valine at codon 332 of the CHEK2 protein (p.Leu332Val). The leucine residue is highly conserved and there is a small physicochemical difference between leucine and valine.

NM_007194.4(CHEK2):c.994C>G (p.Leu332Val)

Gene: CHEK2 (checkpoint kinase 2; minus strand). Cytogenetic location: 22q12.1.
Variant type: single nucleotide variant.
Coding change: c.994C>G on transcript NM_007194.4 (MANE Select); coding-DNA position 994, C replaced by G.
Protein change: p.Leu332Val; replaces leucine 332 with valine.
Molecular consequence: missense variant.
Genome position (GRCh38, 1-based): chr22:28,699,852, G>C on the plus strand (C>G on the coding strand, the complement: CHEK2 is on the minus strand). VCF-style: chr22-28699852-G-C. GRCh37 (hg19) VCF-style: chr22-29095840-G-C.
Other names: c.1123C>G, p.Leu375Val (NM_001005735.3); c.331C>G, p.Leu111Val (NM_001257387.3); c.793C>G, p.Leu265Val (NM_001349956.3); c.994C>G, p.Leu332Val (NM_145862.3); short protein forms L332V, L265V, L375V, L111V.
Identifiers: ClinVar variation 530146 (VCV000530146.12), dbSNP rs1555915348, ClinGen allele CA411099437.